The following is an entry in ClinVar:

ClinVar aggregate classification (germline): Uncertain significance (1 of 4 stars; one submission).

Allele frequency attached by ClinVar (database versions not stated): TOPMed below 0.00001; ExAC 0.00004; gnomAD exomes 0.00005 and 0.00007; gnomAD 0.00008 and 0.00009.
gnomAD v4.1: 55 of 1,613,870 alleles (0.0034%); highest among the groups gnomAD compares: Non-Finnish European, 0.00059%; no homozygotes.

Submission:

Labcorp Genetics (formerly Invitae), Labcorp
Classification: Uncertain significance. Last evaluated: 2022-11-20. Review status: criteria provided, single submitter. Criteria: Invitae Variant Classification Sherloc (09022015). Collection method: clinical testing. Allele origin: germline.
Comment: This sequence change replaces valine, which is neutral and non-polar, with alanine, which is neutral and non-polar, at codon 43 of the IFT57 protein (p.Val43Ala). In summary, the available evidence is currently insufficient to determine the role of this variant in disease. Therefore, it has been classified as a Variant of Uncertain Significance. Algorithms developed to predict the effect of missense changes on protein structure and function (SIFT, PolyPhen-2, Align-GVGD) all suggest that this variant is likely to be tolerated. ClinVar contains an entry for this variant (Variation ID: 1520076). This variant has not been reported in the literature in individuals affected with IFT57-related conditions. This variant is present in population databases (rs752641306, gnomAD 0.05%).

NM_018010.4(IFT57):c.128T>C (p.Val43Ala)

Gene: IFT57 (intraflagellar transport 57; minus strand). Cytogenetic location: 3q13.13.
Variant type: single nucleotide variant.
Coding change: c.128T>C on transcript NM_018010.4 (MANE Select); coding-DNA position 128, T replaced by C.
Protein change: p.Val43Ala; replaces valine 43 with alanine.
Molecular consequence: missense variant.
Genome position (GRCh38, 1-based): chr3:108,222,195, A>G on the plus strand (T>C on the coding strand, the complement: IFT57 is on the minus strand). VCF-style: chr3-108222195-A-G. GRCh37 (hg19) VCF-style: chr3-107941042-A-G.
Other names: short protein forms V43A.
Identifiers: ClinVar variation 1520076 (VCV001520076.8), dbSNP rs752641306, ClinGen allele CA2526830.